The following is an entry in ClinVar:

NM_001303256.3(MORC2):c.2888A>T (p.Asn963Ile)

Gene: MORC2 (MORC family CW-type zinc finger 2; minus strand). Cytogenetic location: 22q12.2.
Variant type: single nucleotide variant.
Coding change: c.2888A>T on transcript NM_001303256.3 (MANE Select); coding-DNA position 2888, A replaced by T.
Protein change: p.Asn963Ile; replaces asparagine 963 with isoleucine.
Molecular consequence: missense variant.
Genome position (GRCh38, 1-based): chr22:30,928,161, T>A on the plus strand (A>T on the coding strand, the complement: MORC2 is on the minus strand). VCF-style: chr22-30928161-T-A. GRCh37 (hg19) VCF-style: chr22-31324148-T-A.
Other names: c.2888A>T, p.Asn963Ile (NM_001303257.2); c.2702A>T, p.Asn901Ile (NM_014941.3); short protein forms N901I, N963I.
Identifiers: ClinVar variation 3626607 (VCV003626607.2).
Genomic context (GRCh38, chr22:30,928,161, plus strand): 5'-GAGGTGCGCAGGCTTTCCTCGGAGGCCTTGGCCCGGGAGTCAGCACGGCTCTGGTAGGAA[T>A]TGCACAGGTTTTGGAGCCCTACTTCATATTGCTTGAAGTACTCCTTCTGTTGGGAGCAGA-3'
Protein context (NP_001290185.1, residues 953-973): QYEVGLQNLC[Asn963Ile]SYQSRADSRA

ClinVar aggregate classification (germline): Uncertain significance (1 of 4 stars; one submission).

Conditions:
Charcot-Marie-Tooth disease axonal type 2Z. Also called: CHARCOT-MARIE-TOOTH DISEASE, AXONAL, AUTOSOMAL DOMINANT, TYPE 2Z; CHARCOT-MARIE-TOOTH NEUROPATHY, TYPE 2Z. Identifiers: Orphanet 466768, MedGen C5569025, MONDO:0014736, OMIM 616688.

Submission:

Labcorp Genetics (formerly Invitae), Labcorp
Classification: Uncertain significance for Charcot-Marie-Tooth disease axonal type 2Z. Last evaluated: 2024-09-19. Review status: criteria provided, single submitter. Criteria: Invitae Variant Classification Sherloc (09022015). Collection method: clinical testing. Allele origin: germline.
Comment: This sequence change replaces asparagine, which is neutral and polar, with isoleucine, which is neutral and non-polar, at codon 963 of the MORC2 protein (p.Asn963Ile). This variant is not present in population databases (gnomAD no frequency). This variant has not been reported in the literature in individuals affected with MORC2-related conditions. Invitae Evidence Modeling of protein sequence and biophysical properties (such as structural, functional, and spatial information, amino acid conservation, physicochemical variation, residue mobility, and thermodynamic stability) has been performed for this missense variant. However, the output from this modeling did not meet the statistical confidence thresholds required to predict the impact of this variant on MORC2 protein function. In summary, the available evidence is currently insufficient to determine the role of this variant in disease. Therefore, it has been classified as a Variant of Uncertain Significance.